The following is an entry in ClinVar:

NM_003036.4(SKI):c.1160C>T (p.Ser387Leu)

Gene: SKI (SKI proto-oncogene; plus strand). Cytogenetic location: 1p36.32.
Variant type: single nucleotide variant.
Coding change: c.1160C>T on transcript NM_003036.4 (MANE Select); coding-DNA position 1160, C replaced by T.
Protein change: p.Ser387Leu; replaces serine 387 with leucine.
Molecular consequence: missense variant.
Genome position (GRCh38, 1-based): chr1:2,303,349, C>T. VCF-style: chr1-2303349-C-T. GRCh37 (hg19) VCF-style: chr1-2234788-C-T.
Other names: short protein forms S387L.
Identifiers: ClinVar variation 3954895 (VCV003954895.2).

ClinVar aggregate classification (germline): Uncertain significance. Review status: criteria provided, multiple submitters, no conflicts (2 of 4 stars). 2 submissions from 2 submitters: Uncertain significance (2). Last evaluated 2025-10-06.

Conditions:
Shprintzen-Goldberg syndrome (SGS). Also called: SHPRINTZEN-GOLDBERG CRANIOSYNOSTOSIS SYNDROME; CRANIOSYNOSTOSIS WITH ARACHNODACTYLY AND ABDOMINAL HERNIAS; Marfanoid disorder with craniosynostosis type 1; Marfanoid craniosynostosis syndrome; Shprintzen-Goldberg marfanoid syndrome. Identifiers: Orphanet 2462, MedGen C1321551, MONDO:0008426, OMIM 182212.
Familial thoracic aortic aneurysm and aortic dissection (TAAD). Also called: Thoracic aortic aneurysms and dissections. Identifiers: Orphanet 91387, MedGen C4707243, MONDO:0019625.

gnomAD v4.1: 1 of 1,613,846 alleles (0.000062%); highest among the groups gnomAD compares: East Asian, 0.0022%; no homozygotes.

Submissions (2):

Labcorp Genetics (formerly Invitae), Labcorp
Classification: Uncertain significance for Shprintzen-Goldberg syndrome. Last evaluated: 2025-10-06. Review status: criteria provided, single submitter. Criteria: Invitae Variant Classification Sherloc (09022015). Collection method: clinical testing. Allele origin: germline.
Comment: This sequence change replaces serine, which is neutral and polar, with leucine, which is neutral and non-polar, at codon 387 of the SKI protein (p.Ser387Leu). This variant is not present in population databases (gnomAD no frequency). This variant has not been reported in the literature in individuals affected with SKI-related conditions. ClinVar contains an entry for this variant (Variation ID: 3954895). Invitae Evidence Modeling of protein sequence and biophysical properties (such as structural, functional, and spatial information, amino acid conservation, physicochemical variation, residue mobility, and thermodynamic stability) indicates that this missense variant is not expected to disrupt SKI protein function with a negative predictive value of 95%. In summary, the available evidence is currently insufficient to determine the role of this variant in disease. Therefore, it has been classified as a Variant of Uncertain Significance.

Ambry Genetics
Classification: Uncertain significance for Familial thoracic aortic aneurysm and aortic dissection. Last evaluated: 2025-06-07. Review status: criteria provided, single submitter. Criteria: Ambry Variant Classification Scheme 2023. Collection method: clinical testing. Allele origin: germline.
Comment: The p.S387L variant (also known as c.1160C>T), located in coding exon 3 of the SKI gene, results from a C to T substitution at nucleotide position 1160. The serine at codon 387 is replaced by leucine, an amino acid with dissimilar properties. This amino acid position is conserved. In addition, this alteration is predicted to be tolerated by in silico analysis. Based on the available evidence, the clinical significance of this variant remains unclear.